The following is an entry in ClinVar:

NM_000642.3(AGL):c.2032A>G (p.Thr678Ala)

Gene: AGL (amylo-alpha-1,6-glucosidase and 4-alpha-glucanotransferase; plus strand). Cytogenetic location: 1p21.2.
Variant type: single nucleotide variant.
Coding change: c.2032A>G on transcript NM_000642.3 (MANE Select); coding-DNA position 2032, A replaced by G.
Protein change: p.Thr678Ala; replaces threonine 678 with alanine.
Molecular consequence: missense variant.
Genome position (GRCh38, 1-based): chr1:99,881,322, A>G. VCF-style: chr1-99881322-A-G. GRCh37 (hg19) VCF-style: chr1-100346878-A-G.
Other names: c.2032A>G (NM_000642.2); c.2032A>G, p.Thr678Ala (NM_000028.3, NM_000643.3, NM_000644.3 and 2 more transcripts); c.1984A>G, p.Thr662Ala (NM_000646.3); c.1831A>G, p.Thr611Ala (NM_001425327.1); c.1828A>G, p.Thr610Ala (NM_001425328.1, NM_001425329.1); c.1654A>G, p.Thr552Ala (NM_001425332.1); short protein forms T662A, T678A, T552A, T610A, T611A.
Identifiers: ClinVar variation 1442388 (VCV001442388.7), dbSNP rs763790850, ClinGen allele CA966681.

ClinVar aggregate classification (germline): Uncertain significance. Review status: criteria provided, multiple submitters, no conflicts (2 of 4 stars). 2 submissions from 2 submitters: Uncertain significance (2). Last evaluated 2024-09-11.

Conditions:
Glycogen storage disease type III (GSD3). Also called: FORBES DISEASE; Cori disease. Identifiers: Orphanet 366, MedGen C0017922, MONDO:0009291, OMIM 232400.
Inborn genetic diseases. Identifiers: MedGen C0950123, MeSH D030342.

Allele frequency attached by ClinVar (database versions not stated): TOPMed 0.00001; ExAC 0.00004; gnomAD exomes 0.00004.
gnomAD v4.1: 11 of 1,614,128 alleles (0.00068%); highest among the groups gnomAD compares: Admixed American, 0.013%; no homozygotes.

Submissions (2):

Ambry Genetics
Classification: Uncertain significance for Inborn genetic diseases. Last evaluated: 2024-09-11. Review status: criteria provided, single submitter. Criteria: Ambry Variant Classification Scheme 2023. Collection method: clinical testing. Allele origin: germline.

Labcorp Genetics (formerly Invitae), Labcorp
Classification: Uncertain significance for Glycogen storage disease type III. Last evaluated: 2023-06-13. Review status: criteria provided, single submitter. Criteria: Invitae Variant Classification Sherloc (09022015). Collection method: clinical testing. Allele origin: germline.
Comment: This sequence change replaces threonine, which is neutral and polar, with alanine, which is neutral and non-polar, at codon 678 of the AGL protein (p.Thr678Ala). This variant is present in population databases (rs763790850, gnomAD 0.02%). This variant has not been reported in the literature in individuals affected with AGL-related conditions. ClinVar contains an entry for this variant (Variation ID: 1442388). Advanced modeling of protein sequence and biophysical properties (such as structural, functional, and spatial information, amino acid conservation, physicochemical variation, residue mobility, and thermodynamic stability) performed at Invitae indicates that this missense variant is not expected to disrupt AGL protein function. In summary, the available evidence is currently insufficient to determine the role of this variant in disease. Therefore, it has been classified as a Variant of Uncertain Significance.